The following is an entry in ClinVar:

NM_199420.4(POLQ):c.1646A>T (p.Asp549Val)

Gene: POLQ (DNA polymerase theta; minus strand). Cytogenetic location: 3q13.33.
Variant type: single nucleotide variant.
Coding change: c.1646A>T on transcript NM_199420.4 (MANE Select); coding-DNA position 1646, A replaced by T.
Protein change: p.Asp549Val; replaces aspartic acid 549 with valine.
Molecular consequence: missense variant.
Genome position (GRCh38, 1-based): chr3:121,510,209, T>A on the plus strand (A>T on the coding strand, the complement: POLQ is on the minus strand). VCF-style: chr3-121510209-T-A. GRCh37 (hg19) VCF-style: chr3-121229056-T-A.
Other names: short protein forms D549V.
Identifiers: ClinVar variation 1777153 (VCV001777153.2), dbSNP rs745886466, ClinGen allele CA2563476.
Genomic context (GRCh38, chr3:121,510,209, plus strand): 5'-CCTTGCTTCCCTTCTTTCATACTTGCAGCCAAAAATGTGCAGGCAGCATAAGTATGCATA[T>A]CTTGTGATGTACTTGCCACTCCACCAACTATTATCTGAAAGAAGATATTTGGAAATTTCT-3'
Protein context (NP_955452.3, residues 539-559): IVGGVASTSQ[Asp549Val]MHTYAACTFL

ClinVar aggregate classification (germline): Uncertain significance (1 of 4 stars; one submission).

Allele frequency attached by ClinVar (database versions not stated): gnomAD exomes below 0.00001; ExAC 0.00001.
gnomAD v4.1: 2 of 1,613,266 alleles (0.00012%); highest among the groups gnomAD compares: South Asian, 0.0011%; no homozygotes.

Submission:

Ambry Genetics
Classification: Uncertain significance. Last evaluated: 2022-09-18. Review status: criteria provided, single submitter. Criteria: Ambry Variant Classification Scheme 2023. Collection method: clinical testing. Allele origin: germline.
Comment: The p.D549V variant (also known as c.1646A>T), located in coding exon 11 of the POLQ gene, results from an A to T substitution at nucleotide position 1646. The aspartic acid at codon 549 is replaced by valine, an amino acid with highly dissimilar properties. This amino acid position is conserved. In addition, the in silico prediction for this alteration is inconclusive. Since supporting evidence is limited at this time, the clinical significance of this alteration remains unclear.